The following is an entry in ClinVar:

NM_000243.3(MEFV):c.1760-30T>A

Genes: MEFV (MEFV innate immunity regulator, pyrin; minus strand), LOC126862264 (CDK7 strongly-dependent group 2 enhancer GRCh37_chr16:3293322-3294521; plus strand). Cytogenetic location: 16p13.3.
Variant type: single nucleotide variant.
Coding change: c.1760-30T>A on transcript NM_000243.3 (MANE Select); 30 bases into the intron before coding-DNA position 1760, T replaced by A.
Molecular consequence: intron variant. On other transcripts: missense variant (1).
Genome position (GRCh38, 1-based): chr16:3,243,922, A>T on the plus strand (T>A on the coding strand, the complement: MEFV is on the minus strand). VCF-style: chr16-3243922-A-T. GRCh37 (hg19) VCF-style: chr16-3293922-A-T.
Other names: c.1272T>A, p.Asp424Glu (NM_001198536.2); short protein forms D424E.
Identifiers: ClinVar variation 439880 (VCV000439880.29), dbSNP rs1231123, ClinGen allele CA7859946.

ClinVar aggregate classification (germline): Benign/Likely benign. Review status: criteria provided, multiple submitters, no conflicts (2 of 4 stars). 8 submissions from 7 submitters: Benign (6); Likely benign (1). 1 of the submissions does not count toward it. Last evaluated 2025-07-30.

Conditions:
Familial Mediterranean fever, autosomal dominant. Also called: Dominant Familial Mediterranean Fever; FMF, AUTOSOMAL DOMINANT. Identifiers: Orphanet 342, MedGen C1851347, MONDO:0007601, OMIM 134610.
Familial Mediterranean fever (FMF). Also called: Periodic peritonitis; Benign paroxysmal peritonitis; POLYSEROSITIS, FAMILIAL PAROXYSMAL; POLYSEROSITIS, RECURRENT. Identifiers: Orphanet 342, MedGen C0031069, MONDO:0018088, OMIM 249100. Disease mechanism: gain of function.

Allele frequency attached by ClinVar (database versions not stated): 1000 Genomes Project 30x 0.31012; 1000 Genomes Project 0.31130; TOPMed 0.37889; gnomAD 0.39404; ESP Exome Variant Server 0.40565.

Submissions (8):

ARUP Laboratories, Molecular Genetics and Genomics, ARUP Laboratories
Classification: Benign. Last evaluated: 2025-07-30. Review status: criteria provided, single submitter. Criteria: ARUP Molecular Germline Variant Investigation Process 2024. Collection method: clinical testing. Allele origin: germline.

Blueprint Genetics
Classification: Likely benign. Last evaluated: 2024-11-27. Review status: criteria provided, single submitter. Criteria: ACMG Guidelines, 2015. Collection method: clinical testing. Allele origin: germline.

Unidad de Genómica Garrahan, Hospital de Pediatría Garrahan
Classification: Benign. Last evaluated: 2023-11-12. Review status: criteria provided, single submitter. Criteria: ACMG Guidelines, 2015. Collection method: clinical testing. Allele origin: germline. Affected: no. Observed: 59 variant alleles.
Comment: This variant is classified as Benign based on local population frequency. This variant was detected in 61% of patients studied by a panel of primary immunodeficiencies. Number of patients: 59. Only high quality variants are reported.

Genome-Nilou Lab
Classification: Benign for Familial Mediterranean fever, autosomal dominant. Last evaluated: 2021-07-01. Review status: criteria provided, single submitter. Criteria: ACMG Guidelines, 2015. Collection method: clinical testing. Allele origin: germline. Affected: no.

Genome-Nilou Lab
Classification: Benign for Familial Mediterranean fever. Last evaluated: 2021-07-01. Review status: criteria provided, single submitter. Criteria: ACMG Guidelines, 2015. Collection method: clinical testing. Allele origin: germline. Affected: no.

GeneDx
Classification: Benign. Last evaluated: 2015-03-03. Review status: criteria provided, single submitter. Criteria: GeneDx Variant Classification Process June 2021. Collection method: clinical testing. Allele origin: germline. Affected: yes.

Breakthrough Genomics
Classification: Benign. Review status: criteria provided, single submitter. Criteria: ACMG Guidelines, 2015. Collection method: not provided. Allele origin: germline. Inheritance: Autosomal recessive inheritance. Affected: yes.

Department of Pathology and Laboratory Medicine, Sinai Health System
Classification: Uncertain significance. Review status: no assertion criteria provided. Collection method: clinical testing. Allele origin: unknown. Affected: yes. Study: The Canadian Open Genetics Repository (COGR). Not counted in ClinVar's aggregate classification.
Comment: multiple AR variants in same gene - keep for nowAllele frequency is common in at least one population database (frequency: 46.51% in ExAC) based on the frequency threshold of 1.904% for this gene.Variant was observed in a homozygous state in population databases more than expected for disease.1 reputable source/s reports the variant as benign, but the evidence is not available to the laboratory to perform an independent evaluation.